The following is an entry in ClinVar:

NM_198173.3(GRHL3):c.759C>G (p.Leu253=)

Gene: GRHL3 (grainyhead like transcription factor 3; plus strand). Cytogenetic location: 1p36.11.
Variant type: single nucleotide variant.
Coding change: c.759C>G on transcript NM_198173.3 (MANE Select); coding-DNA position 759, C replaced by G.
Protein change: p.Leu253=; no amino-acid change (leucine 253 retained).
Molecular consequence: synonymous variant.
Genome position (GRCh38, 1-based): chr1:24,337,708, C>G. VCF-style: chr1-24337708-C-G. GRCh37 (hg19) VCF-style: chr1-24664198-C-G.
Other names: c.621C>G, p.Leu207= (NM_001195010.2); c.774C>G, p.Leu258= (NM_021180.4); c.759C>G, p.Leu253= (NM_198174.3); c.759C>G (NM_198173.2).
Identifiers: ClinVar variation 774992 (VCV000774992.5), dbSNP rs146172490, ClinGen allele CA689989.
Genomic context (GRCh38, chr1:24,337,708, plus strand): 5'-CACCCTGGGCTCCCCCAAAGCCATCCACATCAAGTCAGGCGAGTCACCCATGGCCTACCT[C>G]AACAAAGGCCAGTTCTACCCCGTCACCCTGCGGACCCCAGCAGGTGGCAAAGGCCTTGCC-3'
Protein context (NP_937816.1, residues 243-263): IKSGESPMAY[Leu253=]NKGQFYPVTL

ClinVar aggregate classification (germline): Likely benign. Review status: criteria provided, single submitter (1 of 4 stars). 2 submissions from 2 submitters: Likely benign (1). 1 of the submissions does not count toward it. Last evaluated 2017-11-30.

Conditions:
GRHL3-related disorder. Also called: GRHL3-related condition.

Allele frequency attached by ClinVar (database versions not stated): gnomAD exomes 0.00002 and 0.00006; ExAC 0.00009; ESP Exome Variant Server 0.00023; gnomAD 0.00031 and 0.00035; TOPMed 0.00033.
gnomAD v4.1: 79 of 1,614,072 alleles (0.0049%); highest among the groups gnomAD compares: African/African-American, 0.1%; no homozygotes.

Submissions (2):

Labcorp Genetics (formerly Invitae), Labcorp
Classification: Likely benign. Last evaluated: 2017-11-30. Review status: criteria provided, single submitter. Criteria: Invitae Variant Classification Sherloc (09022015). Collection method: clinical testing. Allele origin: germline.

PreventionGenetics, part of Exact Sciences
Classification: Likely benign for GRHL3-related condition. Last evaluated: 2020-02-17. Review status: no assertion criteria provided. Collection method: clinical testing. Allele origin: germline. Not counted in ClinVar's aggregate classification.
Comment: This variant is classified as likely benign based on ACMG/AMP sequence variant interpretation guidelines (Richards et al. 2015 PMID: 25741868, with internal and published modifications).